The following is an entry in ClinVar:

NM_004840.3(ARHGEF6):c.2007C>T (p.Ser669=)

Gene: ARHGEF6 (Rac/Cdc42 guanine nucleotide exchange factor 6; minus strand). Cytogenetic location: Xq26.3.
Variant type: single nucleotide variant.
Coding change: c.2007C>T on transcript NM_004840.3 (MANE Select); coding-DNA position 2007, C replaced by T.
Protein change: p.Ser669=; no amino-acid change (serine 669 retained).
Molecular consequence: synonymous variant.
Genome position (GRCh38, 1-based): chrX:136,675,035, G>A on the plus strand (C>T on the coding strand, the complement: ARHGEF6 is on the minus strand). VCF-style: chrX-136675035-G-A. GRCh37 (hg19) VCF-style: chrX-135757194-G-A.
Other names: c.1545C>T, p.Ser515= (NM_001306177.2).
Identifiers: ClinVar variation 128449 (VCV000128449.17), dbSNP rs12008084, ClinGen allele CA151903.

ClinVar aggregate classification (germline): Benign. Review status: criteria provided, multiple submitters, no conflicts (2 of 4 stars). 5 submissions from 5 submitters: Benign (3). 2 of the submissions do not count toward it. Last evaluated 2019-12-31.

Conditions:
ARHGEF6-related disorder. Also called: ARHGEF6-related condition.

Allele frequency attached by ClinVar (database versions not stated): gnomAD exomes 0.00676; 1000 Genomes Project 30x 0.01894; ESP Exome Variant Server 0.03134; ExAC 0.00883; 1000 Genomes Project 0.01854; gnomAD 0.02220 and 0.02382; TOPMed 0.02645.
gnomAD v4.1: 4,993 of 1,209,600 alleles (0.41%); highest among the groups gnomAD compares: African/African-American, 7.4%; 128 homozygotes.

Submissions (5):

Labcorp Genetics (formerly Invitae), Labcorp
Classification: Benign. Last evaluated: 2019-12-31. Review status: criteria provided, single submitter. Criteria: Invitae Variant Classification Sherloc (09022015). Collection method: clinical testing. Allele origin: germline.

Ambry Genetics
Classification: Benign. Last evaluated: 2014-12-13. Review status: criteria provided, single submitter. Criteria: Ambry Variant Classification Scheme 2023. Collection method: clinical testing. Allele origin: germline.

Breakthrough Genomics
Classification: Benign. Review status: criteria provided, single submitter. Criteria: ACMG Guidelines, 2015. Collection method: not provided. Allele origin: germline. Inheritance: Unknown mechanism. Affected: yes.

PreventionGenetics, part of Exact Sciences
Classification: Benign for ARHGEF6-related condition. Last evaluated: 2019-08-07. Review status: no assertion criteria provided. Collection method: clinical testing. Allele origin: germline. Not counted in ClinVar's aggregate classification.
Comment: This variant is classified as benign based on ACMG/AMP sequence variant interpretation guidelines (Richards et al. 2015 PMID: 25741868, with internal and published modifications).

Genetic Services Laboratory, University of Chicago
Classification: Likely benign for AllHighlyPenetrant. Review status: no assertion criteria provided. Collection method: clinical testing. Allele origin: germline. Inheritance: X-linked inheritance. Not counted in ClinVar's aggregate classification.
Comment: Likely benign based on allele frequency in 1000 Genomes Project or ESP global frequency and its presence in a patient with a rare or unrelated disease phenotype. NOT Sanger confirmed.